The following is an entry in ClinVar:

ClinVar aggregate classification (germline): Uncertain significance. Review status: criteria provided, multiple submitters, no conflicts (2 of 4 stars). 6 submissions from 6 submitters: Uncertain significance (5). 1 of the submissions does not count toward it. Last evaluated 2024-06-25.

Conditions:
Cardiovascular phenotype. Identifiers: MedGen CN230736.
Autosomal recessive limb-girdle muscular dystrophy type 2J (LGMDR10). Also called: Limb-girdle muscular dystrophy, type 2J; MUSCULAR DYSTROPHY, LIMB-GIRDLE, AUTOSOMAL RECESSIVE 10. Identifiers: Orphanet 140922, MedGen C1837342, MONDO:0012127, OMIM 608807.
Dilated cardiomyopathy 1G (CMD1G). Identifiers: Orphanet 154, MedGen C1858763, MONDO:0011400, OMIM 604145.
Tip-toe gait. Also called: Toe walking. Identifiers: MedGen C0427144, HP:0030051.

Allele frequency attached by ClinVar (database versions not stated): gnomAD exomes below 0.00001 and 0.00001; ExAC 0.00001; gnomAD 0.00001; TOPMed 0.00001.
gnomAD v4.1: 10 of 1,580,598 alleles (0.00063%); highest among the groups gnomAD compares: Middle Eastern, 0.017%; no homozygotes.

Submissions (6):

Ambry Genetics
Classification: Uncertain significance for Cardiovascular phenotype. Last evaluated: 2024-06-25. Review status: criteria provided, single submitter. Criteria: Ambry Variant Classification Scheme 2023. Collection method: clinical testing. Allele origin: germline.
Comment: The c.41629+5G>C intronic variant results from a G to C substitution 5 nucleotides after coding exon 150 in the TTN gene. This variant (referred to as c.63901+5G>C) has been detected in an individual with dilated cardiomyopathy (Herman DS et al. N Engl J Med, 2012 Feb;366:619-28). This nucleotide position is highly conserved in available vertebrate species. In silico splice site analysis predicts that this alteration will not have any significant effect on splicing. Based on the available evidence, the clinical significance of this variant remains unclear.

GeneDx
Classification: Uncertain significance. Last evaluated: 2024-04-17. Review status: criteria provided, single submitter. Criteria: GeneDx Variant Classification Process June 2021. Collection method: clinical testing. Allele origin: germline. Affected: yes.
Comment: Identified in a patient with DCM in published literature (PMID: 22335739); Not observed at significant frequency in large population cohorts (gnomAD); Located in the A-band region of TTN in which the majority of loss of function variants have been associated with autosomal dominant titinopathies (PMID: 22335739); In silico analysis indicates that this variant does not alter splicing; This variant is associated with the following publications: (PMID: 34426522, 22335739)

CeGaT Center for Human Genetics Tuebingen
Classification: Uncertain significance. Last evaluated: 2024-01-01. Review status: criteria provided, single submitter. Criteria: CeGaT Center For Human Genetics Tuebingen Variant Classification Criteria Version 2. Collection method: clinical testing. Allele origin: germline. Affected: yes. Observed: 1 variant allele.
Comment: TTN: PM2, BP4

Labcorp Genetics (formerly Invitae), Labcorp
Classification: Uncertain significance for Dilated cardiomyopathy 1G; Autosomal recessive limb-girdle muscular dystrophy type 2J. Last evaluated: 2022-07-13. Review status: criteria provided, single submitter. Criteria: Invitae Variant Classification Sherloc (09022015). Collection method: clinical testing. Allele origin: germline.
Comment: This sequence change falls in intron 323 of the TTN gene. It does not directly change the encoded amino acid sequence of the TTN protein. It affects a nucleotide within the consensus splice site. This variant is present in population databases (rs749639627, gnomAD 0.001%). This variant has been observed in individual(s) with dilated cardiomyopathy (PMID: 22335739). This variant is also known as c.63901+5G>C. ClinVar contains an entry for this variant (Variation ID: 281404). Variants that disrupt the consensus splice site are a relatively common cause of aberrant splicing (PMID: 17576681, 9536098). Algorithms developed to predict the effect of sequence changes on RNA splicing suggest that this variant is not likely to affect RNA splicing. This variant is located in the A band of TTN (PMID: 25589632). Variants in this region may be relevant for cardiac or neuromuscular disorders (PMID: 25589632, 23975875). In summary, the available evidence is currently insufficient to determine the role of this variant in disease. Therefore, it has been classified as a Variant of Uncertain Significance.

Eurofins Ntd Llc (ga)
Classification: Uncertain significance. Last evaluated: 2015-06-15. Review status: criteria provided, single submitter. Criteria: EGL Classification Definitions 2015. Collection method: clinical testing. Allele origin: germline. Observed: 1 variant allele, 1 heterozygote.

Practice for Gait Abnormalities, David Pomarino, Competency Network Toe Walking C/o Practice Pomarino
Classification: Likely pathogenic for Tip-toe gait. Last evaluated: 2021-10-15. Review status: flagged submission. Collection method: clinical testing. Allele origin: germline. Affected: yes. Not counted in ClinVar's aggregate classification.
Comment: Myopathy refers to diseases that affect skeletal Muscles. These diseases attack muscle fibers, making muscles weak. Inherited myopathies are often caused by inheriting an abnormal gene mutation from a parent that causes the disease. Symptoms of congenital myopathies usually start at birth or in early childhood, but may not appear until the teen years or even later in adulthood. Congenital myopathies are somewhat unique compared with other inherited myopathies, as weakness typically affects all muscles and is often not progressive. Symptoms are: Muscle weakness, most commonly of upper arms and shoulders and thighs, muscle cramps, stiffness and spasms, fatigue with exertion and lack of energy. Our patients all walk on tiptoe, so they show similar symptoms. When we genetically test them with our toe walking panel, we find that around 90 per cent of them have a genetic variant that explains their toe walking. These can be assigned, for example, to the area of myopathies (such as variants of the COL6A3 gene), the area of hereditary neuropathies (such as variants of the KMT2C gene) or the area of metabolic diseases (such as variants of the PYGM gene). In a smaller group of patients with almost identical symptoms, no abnormality is found in the genes of our panel, but spastic paraplegia can be detected. In another small group of our toe walkers, no abnormalities can be detected in the genes analysed in our toe walking panel, nor do they suffer from spastic paraplegia, as is also the case with healthy children. In contrast to these, however, they show a tiptoe gait. These patients suffer from infantile cerebral palsy, in which toe walking can also be observed.
ClinVar note: Notes: This gene has insufficient supporting evidence for isolated Tip-Toe Gait.
ClinVar note: Reason: Claim with insufficient supporting evidence

Literature cited by the submitters: PubMed 22335739 (cited by Ambry Genetics and Labcorp Genetics (formerly Invitae), Labcorp); PubMed 17576681 (cited by Labcorp Genetics (formerly Invitae), Labcorp); PubMed 9536098 (cited by Labcorp Genetics (formerly Invitae), Labcorp); PubMed 25589632 (cited by Labcorp Genetics (formerly Invitae), Labcorp); PubMed 23975875 (cited by Labcorp Genetics (formerly Invitae), Labcorp); PubMed 37091313 (cited by Practice for Gait Abnormalities, David Pomarino, Competency Network Toe Walking C/o Practice Pomarino).

NM_001267550.2(TTN):c.68824+5G>C

Genes: TTN (titin; minus strand), TTN-AS1 (TTN antisense RNA 1; plus strand). Cytogenetic location: 2q31.2.
Variant type: single nucleotide variant.
Coding change: c.68824+5G>C on transcript NM_001267550.2 (MANE Select); 5 bases into the intron after coding-DNA position 68824, G replaced by C.
Molecular consequence: intron variant.
Genome position (GRCh38, 1-based): chr2:178,577,597, C>G on the plus strand (G>C on the coding strand, the complement: TTN is on the minus strand). VCF-style: chr2-178577597-C-G. GRCh37 (hg19) VCF-style: chr2-179442324-C-G.
Other names: c.41629+5G>C (NM_003319.4); c.42205+5G>C (NM_133437.4); c.42004+5G>C (NM_133432.3); c.61120+5G>C (NM_133378.4); c.63901+5G>C (NM_001256850.1).
Identifiers: ClinVar variation 281404 (VCV000281404.32), dbSNP rs749639627, ClinGen allele CA1991041.